The following is an entry in ClinVar:

NM_003680.4(YARS1):c.1026A>G (p.Pro342=)

Gene: YARS1 (tyrosyl-tRNA synthetase 1; minus strand). Cytogenetic location: 1p35.1.
Variant type: single nucleotide variant.
Coding change: c.1026A>G on transcript NM_003680.4 (MANE Select); coding-DNA position 1026, A replaced by G.
Protein change: p.Pro342=; no amino-acid change (proline 342 retained).
Molecular consequence: synonymous variant.
Genome position (GRCh38, 1-based): chr1:32,782,420, T>C on the plus strand (A>G on the coding strand, the complement: YARS1 is on the minus strand). VCF-style: chr1-32782420-T-C. GRCh37 (hg19) VCF-style: chr1-33248021-T-C.
Identifiers: ClinVar variation 3045241 (VCV003045241.2), dbSNP rs2523359284, ClinGen allele CA417065866.

ClinVar aggregate classification (germline): Likely benign (0 of 4 stars; one submission).

Conditions:
YARS1-related disorder. Also called: YARS1-related condition.

gnomAD v4.1: 6 of 1,614,014 alleles (0.00037%); highest among the groups gnomAD compares: South Asian, 0.0011%; no homozygotes.

Submission:

PreventionGenetics, part of Exact Sciences
Classification: Likely benign for YARS1-related condition. Last evaluated: 2023-06-06. Review status: no assertion criteria provided. Collection method: clinical testing. Allele origin: germline.
Comment: This variant is classified as likely benign based on ACMG/AMP sequence variant interpretation guidelines (Richards et al. 2015 PMID: 25741868, with internal and published modifications).